The following is an entry in ClinVar:

ClinVar aggregate classification (germline): Benign (1 of 4 stars; one submission).

Conditions:
Diaphanospondylodysostosis. Also called: VERTEBRAL OSSIFICATION, DEFECT IN, WITH NEPHROGENIC RESTS. Identifiers: Orphanet 66637, MedGen C1842691, MONDO:0011946, OMIM 608022.

Allele frequency attached by ClinVar (database versions not stated): gnomAD 0.00103 and 0.00155; TOPMed 0.00146; gnomAD exomes 0.00263; 1000 Genomes Project 30x 0.01062; 1000 Genomes Project 0.01258.
gnomAD v4.1: 791 of 367,100 alleles (0.22%); highest among the groups gnomAD compares: East Asian, 3.7%; 17 homozygotes.

Submission:

Illumina Laboratory Services, Illumina
Classification: Benign for Diaphanospondylodysostosis. Last evaluated: 2018-01-13. Review status: criteria provided, single submitter. Criteria: ICSL Variant Classification Criteria 13 December 2019. Collection method: clinical testing. Allele origin: germline.
Comment: This variant was observed in the ICSL laboratory as part of a predisposition screen in an ostensibly healthy population. It had not been previously curated by ICSL or reported in the Human Gene Mutation Database (HGMD: prior to June 1st, 2018), and was therefore a candidate for classification through an automated scoring system. Utilizing variant allele frequency, disease prevalence and penetrance estimates, and inheritance mode, an automated score was calculated to assess if this variant is too frequent to cause the disease. Based on the score and internal cut-off values, a variant classified as benign is not then subjected to further curation. The score for this variant resulted in a classification of benign for this disease.

NM_001365308.1(BMPER):c.*278T>C

Gene: BMPER (BMP binding endothelial regulator; plus strand). Cytogenetic location: 7p14.3.
Variant type: single nucleotide variant.
Coding change: c.*278T>C on transcript NM_001365308.1 (MANE Select); 278 bases downstream of the stop codon, T replaced by C.
Molecular consequence: 3 prime UTR variant.
Genome position (GRCh38, 1-based): chr7:34,153,551, T>C. VCF-style: chr7-34153551-T-C. GRCh37 (hg19) VCF-style: chr7-34193163-T-C.
Other names: c.*278T>C (NM_133468.5).
Identifiers: ClinVar variation 360124 (VCV000360124.5), dbSNP rs116981158, ClinGen allele CA10623911.